The following is an entry in ClinVar:

NM_003664.5(AP3B1):c.1167+1_1167+2dup

Gene: AP3B1 (adaptor related protein complex 3 subunit beta 1; minus strand). Cytogenetic location: 5q14.1.
Variant type: Duplication.
Coding change: c.1167+1_1167+2dup on transcript NM_003664.5 (MANE Select); the canonical splice donor site of the intron after coding-DNA position 1167, 2 bases duplicated (GT; older notation c.1167+1_1167+2dupGT).
Molecular consequence: splice donor variant.
Genome position (GRCh38, 1-based): chr5:78,175,624-78,175,625, AC duplicated on the plus strand (GT on the coding strand, the reverse complement: AP3B1 is on the minus strand). VCF-style (leftmost placement, unchanged base first): chr5-78175623-T-TAC. GRCh37 (hg19) VCF-style: chr5-77471447-T-TAC.
Other names: c.1020+1_1020+2dup (NM_001271769.2).
Identifiers: ClinVar variation 1390758 (VCV001390758.6), dbSNP rs2112401395, ClinGen allele CA2573139963.
Genomic context (GRCh38, chr5:78,175,623, plus strand): 5'-CTATAGAAATATCTCTTCAAAACAAATGTGTTAAAAGCCTCTGAAAAATGAAAGCATACA[T>TAC]ACCTTCAGTGTCTTGATCATAGTTGGATCAGTTGACCTAACATAGAAACTCTTCAGATAA-3'

ClinVar aggregate classification (germline): Uncertain significance (1 of 4 stars; one submission).

Conditions:
Hermansky-Pudlak syndrome 2 (HPS2). Also called: Platelet defects and oculocutaneous albinism. Identifiers: Orphanet 183678, Orphanet 79430, MedGen C1842362, MONDO:0011997, OMIM 608233.

Submission:

Labcorp Genetics (formerly Invitae), Labcorp
Classification: Uncertain significance for Hermansky-Pudlak syndrome 2. Last evaluated: 2021-11-02. Review status: criteria provided, single submitter. Criteria: Invitae Variant Classification Sherloc (09022015). Collection method: clinical testing. Allele origin: germline.
Comment: This sequence change falls in intron 11 of the AP3B1 gene. It does not directly change the encoded amino acid sequence of the AP3B1 protein. It affects a nucleotide within the consensus splice site. This variant is not present in population databases (gnomAD no frequency). This variant has not been reported in the literature in individuals affected with AP3B1-related conditions. Variants that disrupt the consensus splice site are a relatively common cause of aberrant splicing (PMID: 17576681, 9536098). Algorithms developed to predict the effect of sequence changes on RNA splicing suggest that this variant may disrupt the consensus splice site. In summary, the available evidence is currently insufficient to determine the role of this variant in disease. Therefore, it has been classified as a Variant of Uncertain Significance.

Literature cited by the submitters: PubMed 17576681; PubMed 9536098.